The following is an entry in ClinVar:

NM_000059.4(BRCA2):c.6937+1G>A

Gene: BRCA2 (BRCA2 DNA repair associated; plus strand). Cytogenetic location: 13q13.1.
Variant type: single nucleotide variant.
Coding change: c.6937+1G>A on transcript NM_000059.4 (MANE Select); the canonical splice donor site of the intron after coding-DNA position 6937, G replaced by A.
Molecular consequence: splice donor variant. On other transcripts: intron variant (1).
Genome position (GRCh38, 1-based): chr13:32,344,654, G>A. VCF-style: chr13-32344654-G-A. GRCh37 (hg19) VCF-style: chr13-32918791-G-A.
Other names: c.6937+1G>A (NM_001406720.1); c.6842-2173G>A (NM_001406719.1); c.2005+1G>A (NM_001406721.1); c.520+1G>A (NM_001406722.1).
Identifiers: ClinVar variation 267665 (VCV000267665.72), dbSNP rs886040935, ClinGen allele CA10602533.

ClinVar aggregate classification (germline): Uncertain significance. Review status: criteria provided, multiple submitters, no conflicts (2 of 4 stars). 6 submissions from 6 submitters: Uncertain significance (5). 1 of the submissions does not count toward it. Last evaluated 2025-08-19.

Conditions:
BRCA2-related cancer predisposition. Identifiers: MedGen CN377758, MONDO:0700269.
Hereditary cancer-predisposing syndrome. Also called: Tumor predisposition; Hereditary Cancer Syndrome; Neoplastic Syndromes, Hereditary; Hereditary neoplastic syndrome. Identifiers: Orphanet 140162, MedGen C0027672, MeSH D009386, MONDO:0015356.
Hereditary breast ovarian cancer syndrome. Also called: Hereditary breast and ovarian cancer syndrome; Hereditary breast and ovarian cancer; Hereditary breast and ovarian cancer syndrome (HBOC); BRCA1- and BRCA2-Associated Hereditary Breast and Ovarian Cancer; Hereditary breast and/or ovarian cancer syndrome; Breast and ovarian cancer. Identifiers: Orphanet 145, MedGen C0677776, MeSH D061325, MONDO:0003582. Disease mechanism: loss of function.
Breast-ovarian cancer, familial, susceptibility to, 2 (BROVCA2). Also called: BRCA2 Hereditary Breast and Ovarian Cancer. Identifiers: Orphanet 145, MedGen C2675520, MONDO:0012933, OMIM 612555. Disease mechanism: loss of function.

Allele frequency attached by ClinVar (database versions not stated): gnomAD exomes below 0.00001.

Submissions (6):

Color Diagnostics, LLC DBA Color Health
Classification: Uncertain significance for Hereditary cancer-predisposing syndrome. Last evaluated: 2025-08-19. Review status: criteria provided, single submitter. Criteria: ACMG Guidelines, 2015. Collection method: clinical testing. Allele origin: germline.
Comment: This variant causes a G to A nucleotide substitution at the +1 position of intron 12 of the BRCA2 gene. Splice site prediction tools predict that this variant may have a significant impact on RNA splicing. An RNA and functional study has reported that this variant results in an in-frame deletion of exon 12 and the variant protein retains partial activity in a homology-directed DNA repair assay and fully complements the loss of murine Brca2 for cell viability in a mouse embryonic stem cell model (PMID: 32046981, 32398771). The skipping of exon 12 is a naturally-occurring RNA transcript and has been reported to be partially functional (PMID: 19795481, 27060066). This variant has been reported in a suspected hereditary breast and ovarian cancer family (31954625). This variant has been identified in 1/249444 chromosomes in the general population by the Genome Aggregation Database (gnomAD). The available evidence is insufficient to determine the role of this variant in disease conclusively. Therefore, this variant is classified as a Variant of Uncertain Significance.

CeGaT Center for Human Genetics Tuebingen
Classification: Uncertain significance. Last evaluated: 2025-01-01. Review status: criteria provided, single submitter. Criteria: CeGaT Center For Human Genetics Tuebingen Variant Classification Criteria Version 2. Collection method: clinical testing. Allele origin: germline. Affected: yes. Observed: 1 variant allele.
Comment: BRCA2: PM2, PVS1:Moderate

Labcorp Genetics (formerly Invitae), Labcorp
Classification: Uncertain significance for Hereditary breast ovarian cancer syndrome. Last evaluated: 2024-12-04. Review status: criteria provided, single submitter. Criteria: Invitae Variant Classification Sherloc (09022015). Collection method: clinical testing. Allele origin: germline.
Comment: This sequence change affects a donor splice site in intron 12 of the BRCA2 gene. It is expected to disrupt RNA splicing. Variants that disrupt the donor or acceptor splice site typically lead to a loss of protein function (PMID: 16199547), and loss-of-function variants in BRCA2 are known to be pathogenic (PMID: 20104584). The frequency data for this variant in the population databases is considered unreliable, as metrics indicate poor data quality at this position in the gnomAD database. Disruption of this splice site has been observed in individual(s) with personal and/or family history of breast or ovarian cancer (PMID: 31954625, 32046981). ClinVar contains an entry for this variant (Variation ID: 267665). Algorithms developed to predict the effect of variants on gene product structure and function are not available or were not evaluated for this variant. Experimental studies are conflicting or provide insufficient evidence to determine the effect of this variant on BRCA2 function (PMID: 32046981, 32398771). Studies have shown disruption of this splice site is associated with skipping of exon 12, but one or more of the resulting mRNA isoform(s) may be naturally occurring (PMID: 10363970, 10972993, 19795481, 21719596, 27060066). In summary, the available evidence is currently insufficient to determine the role of this variant in disease. Therefore, it has been classified as a Variant of Uncertain Significance.

All of Us Research Program, National Institutes of Health
Classification: Uncertain significance for BRCA2-related cancer predisposition. Last evaluated: 2024-09-13. Review status: criteria provided, single submitter. Criteria: ACMG Guidelines, 2015. Collection method: clinical testing. Allele origin: germline. Inheritance: Autosomal dominant inheritance. Observed: 1 variant allele, 1 heterozygote.
Comment: This variant causes a G to A nucleotide substitution at the +1 position of intron 12 of the BRCA2 gene. Splice site prediction tools predict that this variant may have a significant impact on RNA splicing. An RNA and functional study has reported that this variant results in an in-frame deletion of exon 12 and the variant protein retains partial activity in a homology-directed DNA repair assay and fully complements the loss of murine Brca2 for cell viability in a mouse embryonic stem cell model (PMID: 32046981, 32398771). The skipping of exon 12 is a naturally-occurring RNA transcript and has been reported to be partially functional (PMID: 19795481, 27060066). This variant has been reported in a suspected hereditary breast and ovarian cancer family (31954625). This variant has been identified in 1/249444 chromosomes in the general population by the Genome Aggregation Database (gnomAD). The available evidence is insufficient to determine the role of this variant in disease conclusively. Therefore, this variant is classified as a Variant of Uncertain Significance.

This study involves interpretation of variants in research participants for the purpose of population health screening. Participant phenotype was not available at the time of variant classification. Additional details can be found in publication PMID: 35346344, PMCID: PMC8962531

Ambry Genetics
Classification: Uncertain significance for Hereditary cancer-predisposing syndrome. Last evaluated: 2024-08-23. Review status: criteria provided, single submitter. Criteria: Ambry Variant Classification Scheme 2023. Collection method: clinical testing. Allele origin: germline.
Comment: The c.6937+1G>A intronic variant results from a G to A substitution one nucleotide after coding exon 11 of the BRCA2 gene. Alterations that disrupt the canonical splice site are expected to cause aberrant splicing, resulting in an abnormal protein; however, this alteration occurs at a splice junction for an alternatively spliced exon that is skipped in a common, naturally-occurring transcript (Meulemans L et al. Cancer Res, 2020 Apr;80:1374-1386; Mesman RLS et al. Genet Med, 2020 Aug;22:1355-1365). In silico splice site analysis predicts that this alteration will weaken the native splice donor site. RNA studies have demonstrated that this alteration results in a complete splice defect resulting in skipping of coding exon 11 (also known as Exon 12), however this transcript has been found to retain some homology-directed repair activity, and in mESC-based functional studies, cells expressing this alteration have retained approximately 60% the activity of wild-type, therefore the clinical impact of this aberrant splicing is unknown at this time (Meulemans L et al. Cancer Res, 2020 Apr;80:1374-1386; Mesman RLS et al. Genet Med, 2020 Aug;22:1355-1365). In addition, it is believed that coding exon 11 could be clinically dispensable, as a different variant that causes coding exon 11 skipping (BRCA2 c.6853A>G; designated as 7081A>G by the authors) was found in trans with a pathogenic BRCA2 founder mutation (BRCA2 c.5946delT, designated as 6174delT by the authors) in an individual without Fanconi Anemia (Li L et al. Hum. Mutat., 2009 Nov;30:1543-50). Based on the available evidence, the clinical significance of this variant remains unclear.

Consortium of Investigators of Modifiers of BRCA1/2 (CIMBA), c/o University of Cambridge
Classification: Pathogenic for Breast-ovarian cancer, familial, susceptibility to, 2. Last evaluated: 2015-10-02. Review status: flagged submission. Criteria: CIMBA Mutation Classification guidelines May 2016. Collection method: clinical testing. Allele origin: germline. Not counted in ClinVar's aggregate classification.
ClinVar note: Reason: Older and outlier claim with insufficient supporting evidence

Literature cited by the submitters: PubMed 19795481 (cited by 4 submitters); PubMed 27060066 (cited by 3 submitters); PubMed 32046981 (cited by 4 submitters); PubMed 32398771 (cited by 4 submitters); PubMed 16199547 (cited by Labcorp Genetics (formerly Invitae), Labcorp); PubMed 20104584 (cited by Labcorp Genetics (formerly Invitae), Labcorp); PubMed 31954625 (cited by Labcorp Genetics (formerly Invitae), Labcorp and Ambry Genetics); PubMed 10363970 (cited by Labcorp Genetics (formerly Invitae), Labcorp); PubMed 10972993 (cited by Labcorp Genetics (formerly Invitae), Labcorp); PubMed 21719596 (cited by Labcorp Genetics (formerly Invitae), Labcorp).